The following is an entry in ClinVar:

NM_018646.6(TRPV6):c.2201A>G (p.Asn734Ser)

Gene: TRPV6 (transient receptor potential cation channel subfamily V member 6; minus strand). Cytogenetic location: 7q34.
Variant type: single nucleotide variant.
Coding change: c.2201A>G on transcript NM_018646.6 (MANE Select); coding-DNA position 2201, A replaced by G.
Protein change: p.Asn734Ser; replaces asparagine 734 with serine.
Molecular consequence: missense variant.
Genome position (GRCh38, 1-based): chr7:142,871,804, T>C on the plus strand (A>G on the coding strand, the complement: TRPV6 is on the minus strand). VCF-style: chr7-142871804-T-C. GRCh37 (hg19) VCF-style: chr7-142569557-T-C.
Other names: short protein forms N734S.
Identifiers: ClinVar variation 3671139 (VCV003671139.2).
Genomic context (GRCh38, chr7:142,871,804, plus strand): 5'-CCCCTGTTGATTATCCCACGCAGGTCTCTCCTCAGGGTCCCTTGCCGAAGCCTTTCCCAA[T>C]TGGCACTGCTGCGGGAGGTACTTCGAGACACTGAGGGCATAGGAAGGGACAGGTGGGGGC-3'
Protein context (NP_061116.5, residues 724-744): VSRSTSRSSA[Asn734Ser]WERLRQGTLR

ClinVar aggregate classification (germline): Uncertain significance (1 of 4 stars; one submission).

Submission:

Labcorp Genetics (formerly Invitae), Labcorp
Classification: Uncertain significance. Last evaluated: 2025-01-23. Review status: criteria provided, single submitter. Criteria: Invitae Variant Classification Sherloc (09022015). Collection method: clinical testing. Allele origin: germline.
Comment: This sequence change replaces asparagine, which is neutral and polar, with serine, which is neutral and polar, at codon 734 of the TRPV6 protein (p.Asn734Ser). This variant is not present in population databases (gnomAD no frequency). This variant has not been reported in the literature in individuals affected with TRPV6-related conditions. Experimental studies and prediction algorithms are not available or were not evaluated, and the functional significance of this variant is currently unknown. In summary, the available evidence is currently insufficient to determine the role of this variant in disease. Therefore, it has been classified as a Variant of Uncertain Significance.